The following is an entry in ClinVar:

ClinVar aggregate classification (germline): Uncertain significance (1 of 4 stars; one submission).

Submission:

Greenwood Genetic Center Diagnostic Laboratories, Greenwood Genetic Center
Classification: Uncertain significance. Last evaluated: 2024-04-29. Review status: criteria provided, single submitter. Criteria: ACMG Guidelines, 2015. Collection method: clinical testing. Allele origin: germline. Affected: yes.
Comment: PM2, BP4

NM_018263.6(ASXL2):c.2425A>G (p.Thr809Ala)

Gene: ASXL2 (ASXL transcriptional regulator 2; minus strand). Cytogenetic location: 2p23.3.
Variant type: single nucleotide variant.
Coding change: c.2425A>G on transcript NM_018263.6 (MANE Select); coding-DNA position 2425, A replaced by G.
Protein change: p.Thr809Ala; replaces threonine 809 with alanine.
Molecular consequence: missense variant.
Genome position (GRCh38, 1-based): chr2:25,743,912, T>C on the plus strand (A>G on the coding strand, the complement: ASXL2 is on the minus strand). VCF-style: chr2-25743912-T-C. GRCh37 (hg19) VCF-style: chr2-25966781-T-C.
Other names: c.2251A>G, p.Thr751Ala (NM_001369346.1); c.1645A>G, p.Thr549Ala (NM_001369347.1); short protein forms T549A, T751A, T809A.
Identifiers: ClinVar variation 3338601 (VCV003338601.1).